The following is an entry in ClinVar:

NM_000426.4(LAMA2):c.4959+1del

Gene: LAMA2 (laminin subunit alpha 2; plus strand). Cytogenetic location: 6q22.33.
Variant type: Deletion.
Coding change: c.4959+1del on transcript NM_000426.4 (MANE Select); the canonical splice donor site of the intron after coding-DNA position 4959, one base deleted (G; older notation c.4959+1delG).
Molecular consequence: splice donor variant.
Genome position (GRCh38, 1-based): chr6:129,369,991, G deleted; the last of 3 consecutive G bases (chr6:129,369,989-129,369,991); deleting any one gives the same sequence. VCF-style (leftmost placement, unchanged base first): chr6-129369988-AG-A. GRCh37 (hg19) VCF-style: chr6-129691133-AG-A.
Other names: c.4959+1del (NM_001079823.2).
Identifiers: ClinVar variation 689487 (VCV000689487.3), dbSNP rs1583591577, ClinGen allele CA915943637.
Genomic context (GRCh38, chr6:129,369,988, plus strand): 5'-ATTCAGCTGGCAGAGGGCAATCTGAATACACTCGTGACCGAAATGAACGAGCTGCTGACC[AG>A]GGTAAGGTGGCAAAATTATGAATCTTCTGAAAGCAGATAGATTATGTCAATGAAGGAAAA-3'

ClinVar aggregate classification (germline): Pathogenic (1 of 4 stars; one submission).

Conditions:
Muscular dystrophy, limb-girdle, autosomal recessive 23. Identifiers: Orphanet 565837, MedGen C4748327, MONDO:0029136, OMIM 618138.

Submission:

Foundation for Research in Genetics and Endocrinology, FRIGE's Institute of Human Genetics
Classification: Pathogenic for Muscular dystrophy, limb-girdle, autosomal recessive 23. Last evaluated: 2019-06-24. Review status: criteria provided, single submitter. Criteria: ACMG Guidelines, 2015. Collection method: clinical testing. Allele origin: inherited. Inheritance: Autosomal recessive inheritance. Affected: yes. Observed: 1 heterozygote.
Comment: A heterozygous variant c.4959+1del has been observed in the LAMA2 gene. The variant has not been reported in the 1000 genomes database and in the ExAC databases. The in-silico prediction of the variant is damaging by MutationTaster2. In summary, the said variant meets our criteria to be classified as likely pathogenic based on the mode of inheritance, in silico prediction.